The following is an entry in ClinVar:

NM_015164.4(PLEKHM2):c.2564C>T (p.Ala855Val)

Gene: PLEKHM2 (pleckstrin homology and RUN domain containing M2; plus strand). Cytogenetic location: 1p36.21.
Variant type: single nucleotide variant.
Coding change: c.2564C>T on transcript NM_015164.4 (MANE Select); coding-DNA position 2564, C replaced by T.
Protein change: p.Ala855Val; replaces alanine 855 with valine.
Molecular consequence: missense variant.
Genome position (GRCh38, 1-based): chr1:15,731,987, C>T. VCF-style: chr1-15731987-C-T. GRCh37 (hg19) VCF-style: chr1-16058482-C-T.
Other names: c.2504C>T, p.Ala835Val (NM_001410755.1); short protein forms A835V, A855V.
Identifiers: ClinVar variation 4812623 (VCV004812623.1).

ClinVar aggregate classification (germline): Uncertain significance (1 of 4 stars; one submission).

gnomAD v4.1: 3 of 1,612,324 alleles (0.00019%); highest among the groups gnomAD compares: African/African-American, 0.004%; no homozygotes.

Submission:

Labcorp Genetics (formerly Invitae), Labcorp
Classification: Uncertain significance. Last evaluated: 2025-02-05. Review status: criteria provided, single submitter. Criteria: Invitae Variant Classification Sherloc (09022015). Collection method: clinical testing. Allele origin: germline.
Comment: This sequence change replaces alanine, which is neutral and non-polar, with valine, which is neutral and non-polar, at codon 855 of the PLEKHM2 protein (p.Ala855Val). This variant is present in population databases (rs761155814, gnomAD 0.007%). This variant has not been reported in the literature in individuals affected with PLEKHM2-related conditions. An algorithm developed to predict the effect of missense changes on protein structure and function (PolyPhen-2) suggests that this variant is likely to be disruptive. In summary, the available evidence is currently insufficient to determine the role of this variant in disease. Therefore, it has been classified as a Variant of Uncertain Significance.